The following is an entry in ClinVar:

NM_000135.4(FANCA):c.2228G>A (p.Gly743Asp)

Gene: FANCA (FA complementation group A; minus strand). Cytogenetic location: 16q24.3.
Variant type: single nucleotide variant.
Coding change: c.2228G>A on transcript NM_000135.4 (MANE Select); coding-DNA position 2228, G replaced by A.
Protein change: p.Gly743Asp; replaces glycine 743 with aspartic acid.
Molecular consequence: missense variant.
Genome position (GRCh38, 1-based): chr16:89,770,254, C>T on the plus strand (G>A on the coding strand, the complement: FANCA is on the minus strand). VCF-style: chr16-89770254-C-T. GRCh37 (hg19) VCF-style: chr16-89836662-C-T.
Other names: c.2228G>A, p.Gly743Asp (NM_001286167.3); c.2228G>A (LRG_495t1); short protein forms G743D.
Identifiers: ClinVar variation 237039 (VCV000237039.10), dbSNP rs763187355, ClinGen allele CA8251820.
Genomic context (GRCh38, chr16:89,770,254, plus strand): 5'-GTGAGCACTGCAGGGAGCACACGTCCACACATGGTCCTCACGAAGAGGGCAGCCCAGGGA[C>T]CCTGCCTGCAGAGACAGCCGTGAAACCATCAGTACTAGCCATTCAGTCCTGCACATCCCT-3'
Protein context (NP_000126.2, residues 733-753): ASSVAPPERQ[Gly743Asp]PWAALFVRTM

ClinVar aggregate classification (germline): Uncertain significance. Review status: criteria provided, multiple submitters, no conflicts (2 of 4 stars). 5 submissions from 5 submitters: Uncertain significance (4). 1 of the submissions does not count toward it. Last evaluated 2025-11-03.

Conditions:
FANCA-related disorder. Also called: FANCA-related condition.
Fanconi anemia (FA). Also called: Fanconi's anemia. Identifiers: Orphanet 84, MedGen C0015625, MeSH D005199, MONDO:0019391.
Fanconi anemia complementation group A (FANCA). Also called: Fanconi anemia, group A; FANCA-Related Fanconi Anemia. Identifiers: Orphanet 84, MedGen C3469521, MONDO:0009215, OMIM 227650.

Allele frequency attached by ClinVar (database versions not stated): gnomAD 0.00003 and 0.00004; TOPMed 0.00003; gnomAD exomes 0.00006 and 0.00005; ExAC 0.00006.

Submissions (5):

PreventionGenetics, part of Exact Sciences
Classification: Uncertain significance for FANCA-related condition. Last evaluated: 2025-11-03. Review status: criteria provided, single submitter. Criteria: ACMG Guidelines, 2015. Collection method: clinical testing. Allele origin: germline.
Comment: The FANCA c.2228G>A variant is predicted to result in the amino acid substitution p.Gly743Asp. To our knowledge, this variant has not been reported in the literature. This variant is reported in 0.010% of alleles in individuals of European (Non-Finnish) descent in gnomAD. At this time, the clinical significance of this variant is uncertain due to the absence of conclusive functional and genetic evidence.

Labcorp Genetics (formerly Invitae), Labcorp
Classification: Uncertain significance for Fanconi anemia. Last evaluated: 2025-01-22. Review status: criteria provided, single submitter. Criteria: Invitae Variant Classification Sherloc (09022015). Collection method: clinical testing. Allele origin: germline.
Comment: This sequence change replaces glycine, which is neutral and non-polar, with aspartic acid, which is acidic and polar, at codon 743 of the FANCA protein (p.Gly743Asp). This variant is present in population databases (rs763187355, gnomAD 0.01%). This variant has not been reported in the literature in individuals affected with FANCA-related conditions. ClinVar contains an entry for this variant (Variation ID: 237039). Invitae Evidence Modeling of protein sequence and biophysical properties (such as structural, functional, and spatial information, amino acid conservation, physicochemical variation, residue mobility, and thermodynamic stability) indicates that this missense variant is expected to disrupt FANCA protein function with a positive predictive value of 95%. In summary, the available evidence is currently insufficient to determine the role of this variant in disease. Therefore, it has been classified as a Variant of Uncertain Significance.

Blueprint Genetics
Classification: Uncertain significance. Last evaluated: 2021-09-23. Review status: criteria provided, single submitter. Criteria: ACMG Guidelines, 2015. Collection method: clinical testing. Allele origin: germline.

Fulgent Genetics
Classification: Uncertain significance for Fanconi anemia complementation group A. Last evaluated: 2021-09-16. Review status: criteria provided, single submitter. Criteria: ACMG Guidelines, 2015. Collection method: clinical testing. Allele origin: unknown.

Natera, Inc.
Classification: Uncertain significance for Fanconi anemia, group A. Last evaluated: 2020-05-01. Review status: no assertion criteria provided. Collection method: clinical testing. Allele origin: germline. Not counted in ClinVar's aggregate classification.